The following is an entry in ClinVar:

NM_000038.6(APC):c.510T>C (p.Asp170=)

Gene: APC (APC regulator of Wnt signaling pathway; plus strand). Cytogenetic location: 5q22.2.
Variant type: single nucleotide variant.
Coding change: c.510T>C on transcript NM_000038.6 (MANE Select); coding-DNA position 510, T replaced by C.
Protein change: p.Asp170=; no amino-acid change (aspartic acid 170 retained).
Molecular consequence: synonymous variant. On other transcripts: 5 prime UTR variant (4), non-coding transcript variant (2).
Genome position (GRCh38, 1-based): chr5:112,775,716, T>C. VCF-style: chr5-112775716-T-C. GRCh37 (hg19) VCF-style: chr5-112111413-T-C.
Other names: c.510T>C, p.Asp170= (NM_001127510.3, NM_001354895.2, NM_001354896.2 and 16 more transcripts); c.540T>C, p.Asp180= (NM_001127511.3, NM_001354897.2, NM_001354902.2 and 1 more transcripts); c.435T>C, p.Asp145= (NM_001354898.2, NM_001354904.2, NM_001407451.1); c.333T>C, p.Asp111= (NM_001354900.2, NM_001354901.2, NM_001354905.2 and 1 more transcripts); c.-526T>C (NM_001354906.2, NM_001407470.1, NM_001407471.1 and 1 more transcripts).
Identifiers: ClinVar variation 2774014 (VCV002774014.3), dbSNP rs111875298, ClinGen allele CA124932166.

ClinVar aggregate classification (germline): Benign/Likely benign. Review status: criteria provided, multiple submitters, no conflicts (2 of 4 stars). 2 submissions from 2 submitters: Benign (1); Likely benign (1). Last evaluated 2024-02-23.

Conditions:
Familial adenomatous polyposis 1 (FAP1). Also called: POLYPOSIS, ADENOMATOUS INTESTINAL; FAMILIAL ADENOMATOUS POLYPOSIS 1, ATTENUATED. Identifiers: MedGen C2713442, MONDO:0021056, OMIM 175100. Disease mechanism: loss of function.
Hereditary cancer-predisposing syndrome. Also called: Hereditary neoplastic syndrome; Hereditary Cancer Syndrome; Neoplastic Syndromes, Hereditary; Tumor predisposition. Identifiers: Orphanet 140162, MedGen C0027672, MeSH D009386, MONDO:0015356.

Submissions (2):

Myriad Genetics, Inc.
Classification: Benign for Familial adenomatous polyposis 1. Last evaluated: 2024-02-23. Review status: criteria provided, single submitter. Criteria: Myriad Autosomal Dominant, Autosomal Recessive and X-Linked Classification Criteria (2023). Collection method: clinical testing. Allele origin: unknown.
Comment: This variant is considered benign. This variant is a silent/synonymous amino acid change and it is not expected to impact splicing.

Color Diagnostics, LLC DBA Color Health
Classification: Likely benign for Hereditary cancer-predisposing syndrome. Last evaluated: 2023-06-20. Review status: criteria provided, single submitter. Criteria: ACMG Guidelines, 2015. Collection method: clinical testing. Allele origin: germline.